The following is an entry in ClinVar:

ClinVar aggregate classification (germline): Benign (0 of 4 stars; one submission).

Conditions:
CYP4F2-related disorder. Also called: CYP4F2-related condition.

Allele frequency attached by ClinVar (database versions not stated): gnomAD 0.00085.

Submission:

PreventionGenetics, part of Exact Sciences
Classification: Benign for CYP4F2-related condition. Last evaluated: 2019-07-12. Review status: no assertion criteria provided. Collection method: clinical testing. Allele origin: germline.
Comment: This variant is classified as benign based on ACMG/AMP sequence variant interpretation guidelines (Richards et al. 2015 PMID: 25741868, with internal and published modifications).

NM_001082.5(CYP4F2):c.1398-4C>G

Gene: CYP4F2 (cytochrome P450 family 4 subfamily F member 2; minus strand). Cytogenetic location: 19p13.12.
Variant type: single nucleotide variant.
Coding change: c.1398-4C>G on transcript NM_001082.5 (MANE Select); 4 bases into the intron before coding-DNA position 1398, C replaced by G.
Molecular consequence: intron variant.
Genome position (GRCh38, 1-based): chr19:15,878,940, G>C on the plus strand (C>G on the coding strand, the complement: CYP4F2 is on the minus strand). VCF-style: chr19-15878940-G-C. GRCh37 (hg19) VCF-style: chr19-15989750-G-C.
Identifiers: ClinVar variation 3038214 (VCV003038214.2), dbSNP rs138905922, ClinGen allele CA9273610.
Genomic context (GRCh38, chr19:15,878,940, plus strand): 5'-GTGAGCGCCAGGACCACCTTCATCTCCGCCATCGCGAACGTCTGCCCGATGCAGTTCCTA[G>C]GGGAGGGAGGTGGGAACTCTGACTGCACCCAGGAGCCCCATCCTGGCCCCATCAAGCCGG-3'